The following is an entry in ClinVar:

ClinVar aggregate classification (germline): Uncertain significance. Review status: criteria provided, multiple submitters, no conflicts (2 of 4 stars). 3 submissions from 3 submitters: Uncertain significance (3). Last evaluated 2025-10-23.

Conditions:
Hereditary cancer-predisposing syndrome. Also called: Neoplastic Syndromes, Hereditary; Tumor predisposition; Hereditary Cancer Syndrome; Hereditary neoplastic syndrome. Identifiers: Orphanet 140162, MedGen C0027672, MeSH D009386, MONDO:0015356.
Bloom syndrome (BLM). Also called: Bloom-Torre-Machacek syndrome. Identifiers: Orphanet 125, MedGen C0005859, MONDO:0008876, OMIM 210900.

Submissions (3):

Labcorp Genetics (formerly Invitae), Labcorp
Classification: Uncertain significance for Bloom syndrome. Last evaluated: 2025-10-23. Review status: criteria provided, single submitter. Criteria: Invitae Variant Classification Sherloc (09022015). Collection method: clinical testing. Allele origin: germline.
Comment: This sequence change replaces aspartic acid, which is acidic and polar, with valine, which is neutral and non-polar, at codon 606 of the BLM protein (p.Asp606Val). This variant is not present in population databases (gnomAD no frequency). This variant has not been reported in the literature in individuals affected with BLM-related conditions. ClinVar contains an entry for this variant (Variation ID: 1780685). An algorithm developed to predict the effect of missense changes on protein structure and function (PolyPhen-2) suggests that this variant is likely to be tolerated. In summary, the available evidence is currently insufficient to determine the role of this variant in disease. Therefore, it has been classified as a Variant of Uncertain Significance.

Ambry Genetics
Classification: Uncertain significance for Hereditary cancer-predisposing syndrome. Last evaluated: 2024-03-14. Review status: criteria provided, single submitter. Criteria: Ambry Variant Classification Scheme 2023. Collection method: clinical testing. Allele origin: germline.
Comment: The p.D606V variant (also known as c.1817A>T), located in coding exon 6 of the BLM gene, results from an A to T substitution at nucleotide position 1817. The aspartic acid at codon 606 is replaced by valine, an amino acid with highly dissimilar properties. This amino acid position is poorly conserved in available vertebrate species. In addition, this alteration is predicted to be tolerated by in silico analysis. Since supporting evidence is limited at this time, the clinical significance of this alteration remains unclear.

Quest Diagnostics Nichols Institute San Juan Capistrano
Classification: Uncertain significance. Last evaluated: 2023-07-06. Review status: criteria provided, single submitter. Criteria: Quest Diagnostics criteria. Collection method: clinical testing. Allele origin: unknown.
Comment: This variant has not been reported in the published literature. It also has not been reported in large, multi-ethnic general populations (Genome Aggregation Database). Analysis of this variant using bioinformatics tools for the prediction of the effect of amino acid changes on protein structure and function yielded predictions that this variant is benign. Based on the available information, we are unable to determine the clinical significance of this variant.

NM_000057.4(BLM):c.1817A>T (p.Asp606Val)

Gene: BLM (BLM RecQ like helicase; plus strand). Cytogenetic location: 15q26.1.
Variant type: single nucleotide variant.
Coding change: c.1817A>T on transcript NM_000057.4 (MANE Select); coding-DNA position 1817, A replaced by T.
Protein change: p.Asp606Val; replaces aspartic acid 606 with valine.
Molecular consequence: missense variant.
Genome position (GRCh38, 1-based): chr15:90,761,190, A>T. VCF-style: chr15-90761190-A-T. GRCh37 (hg19) VCF-style: chr15-91304420-A-T.
Other names: c.1817A>T, p.Asp606Val (NM_001287246.2, NM_001287247.2); c.692A>T, p.Asp231Val (NM_001287248.2); c.1817A>T (NM_000057.3); short protein forms D231V, D606V.
Identifiers: ClinVar variation 1780685 (VCV001780685.6), dbSNP rs2505429375, ClinGen allele CA393843906.